The following is an entry in ClinVar:

NM_025179.4(PLXNA2):c.4421T>C (p.Ile1474Thr)

Gene: PLXNA2 (plexin A2; minus strand). Cytogenetic location: 1q32.2.
Variant type: single nucleotide variant.
Coding change: c.4421T>C on transcript NM_025179.4 (MANE Select); coding-DNA position 4421, T replaced by C.
Protein change: p.Ile1474Thr; replaces isoleucine 1474 with threonine.
Molecular consequence: missense variant.
Genome position (GRCh38, 1-based): chr1:208,039,700, A>G on the plus strand (T>C on the coding strand, the complement: PLXNA2 is on the minus strand). VCF-style: chr1-208039700-A-G. GRCh37 (hg19) VCF-style: chr1-208213045-A-G.
Other names: c.4421T>C (NM_025179.3); short protein forms I1474T.
Identifiers: ClinVar variation 1407689 (VCV001407689.9), dbSNP rs368547025, ClinGen allele CA1372887.

ClinVar aggregate classification (germline): Uncertain significance. Review status: criteria provided, multiple submitters, no conflicts (2 of 4 stars). 2 submissions from 2 submitters: Uncertain significance (2). Last evaluated 2026-04-14.

Conditions:
PLXNA2-related disorder. Also called: PLXNA2-related condition.

Allele frequency attached by ClinVar (database versions not stated): gnomAD 0.00003 and 0.00004; TOPMed 0.00004; gnomAD exomes 0.00005 and 0.00006; ESP Exome Variant Server 0.00008; ExAC 0.00010.
gnomAD v4.1: 75 of 1,614,054 alleles (0.0046%); highest among the groups gnomAD compares: Admixed American, 0.0067%; no homozygotes.

Submissions (2):

PreventionGenetics, part of Exact Sciences
Classification: Uncertain significance for PLXNA2-related condition. Last evaluated: 2026-04-14. Review status: criteria provided, single submitter. Criteria: ACMG Guidelines, 2015. Collection method: clinical testing. Allele origin: germline.
Comment: The PLXNA2 c.4421T>C variant is predicted to result in the amino acid substitution p.Ile1474Thr. To our knowledge, this variant has not been reported in the literature. This variant is reported in 0.012% of alleles in individuals of European (Non-Finnish) descent in gnomAD. At this time, the clinical significance of this variant is uncertain due to the absence of conclusive functional and genetic evidence.

Labcorp Genetics (formerly Invitae), Labcorp
Classification: Uncertain significance. Last evaluated: 2024-07-08. Review status: criteria provided, single submitter. Criteria: Invitae Variant Classification Sherloc (09022015). Collection method: clinical testing. Allele origin: germline.
Comment: This sequence change replaces isoleucine, which is neutral and non-polar, with threonine, which is neutral and polar, at codon 1474 of the PLXNA2 protein (p.Ile1474Thr). This variant is present in population databases (rs368547025, gnomAD 0.01%). This variant has not been reported in the literature in individuals affected with PLXNA2-related conditions. ClinVar contains an entry for this variant (Variation ID: 1407689). Advanced modeling of protein sequence and biophysical properties (such as structural, functional, and spatial information, amino acid conservation, physicochemical variation, residue mobility, and thermodynamic stability) performed at Invitae indicates that this missense variant is expected to disrupt PLXNA2 protein function with a positive predictive value of 80%. In summary, the available evidence is currently insufficient to determine the role of this variant in disease. Therefore, it has been classified as a Variant of Uncertain Significance.